The following is an entry in ClinVar:

NM_152564.5(VPS13B):c.7779+1G>T

Gene: VPS13B (vacuolar protein sorting 13 homolog B; plus strand). Cytogenetic location: 8q22.2.
Variant type: single nucleotide variant.
Coding change: c.7779+1G>T on transcript NM_152564.5 (MANE Select); the canonical splice donor site of the intron after coding-DNA position 7779, G replaced by T.
Molecular consequence: splice donor variant.
Genome position (GRCh38, 1-based): chr8:99,779,032, G>T. VCF-style: chr8-99779032-G-T. GRCh37 (hg19) VCF-style: chr8-100791260-G-T.
Other names: c.7854+1G>T (NM_017890.5).
Identifiers: ClinVar variation 2756012 (VCV002756012.3), dbSNP rs2491844131, ClinGen allele CA371876698.

ClinVar aggregate classification (germline): Likely pathogenic (1 of 4 stars; one submission).

Conditions:
Cohen syndrome (COH1). Also called: PEPPER SYNDROME; Cutis verticis gyrata, retinitis pigmentosa, and sensorineural deafness. Identifiers: Orphanet 193, MedGen C0265223, MONDO:0008999, OMIM 216550.

Submission:

Labcorp Genetics (formerly Invitae), Labcorp
Classification: Likely pathogenic for Cohen syndrome. Last evaluated: 2023-08-29. Review status: criteria provided, single submitter. Criteria: Invitae Variant Classification Sherloc (09022015). Collection method: clinical testing. Allele origin: germline.
Comment: In summary, the currently available evidence indicates that the variant is pathogenic, but additional data are needed to prove that conclusively. Therefore, this variant has been classified as Likely Pathogenic. Algorithms developed to predict the effect of sequence changes on RNA splicing suggest that this variant may disrupt the consensus splice site. This variant has not been reported in the literature in individuals affected with VPS13B-related conditions. This variant is not present in population databases (gnomAD no frequency). This sequence change affects a donor splice site in intron 42 of the VPS13B gene. It is expected to disrupt RNA splicing. Variants that disrupt the donor or acceptor splice site typically lead to a loss of protein function (PMID: 16199547), and loss-of-function variants in VPS13B are known to be pathogenic (PMID: 15141358, 16648375, 20461111).

Literature cited by the submitters: PubMed 16199547; PubMed 15141358; PubMed 16648375; PubMed 20461111.